The following is an entry in ClinVar:

NM_001267550.2(TTN):c.33419-2A>C

Gene: TTN (titin; minus strand). Cytogenetic location: 2q31.2.
Variant type: single nucleotide variant.
Coding change: c.33419-2A>C on transcript NM_001267550.2 (MANE Select); the canonical splice acceptor site of the intron before coding-DNA position 33419, A replaced by C.
Molecular consequence: splice acceptor variant. On other transcripts: intron variant (3).
Genome position (GRCh38, 1-based): chr2:178,680,057, T>G on the plus strand (A>C on the coding strand, the complement: TTN is on the minus strand). VCF-style: chr2-178680057-T-G. GRCh37 (hg19) VCF-style: chr2-179544784-T-G.
Other names: c.13283-37740A>C (NM_003319.4); c.13859-37740A>C (NM_133437.4); c.13658-37740A>C (NM_133432.3); c.29687-2A>C (NM_133378.4); c.32468-2A>C (NM_001256850.1).
Identifiers: ClinVar variation 1440079 (VCV001440079.12), dbSNP rs756841034, ClinGen allele CA1998335.

ClinVar aggregate classification (germline): Conflicting classifications of pathogenicity. Review status: criteria provided, conflicting classifications (1 of 4 stars). 4 submissions from 4 submitters: Likely pathogenic (1); Uncertain significance (3). Last evaluated 2024-11-12.

Conditions:
Autosomal recessive limb-girdle muscular dystrophy type 2J (LGMDR10). Also called: Limb-girdle muscular dystrophy, type 2J; MUSCULAR DYSTROPHY, LIMB-GIRDLE, AUTOSOMAL RECESSIVE 10. Identifiers: Orphanet 140922, MedGen C1837342, MONDO:0012127, OMIM 608807.
Dilated cardiomyopathy 1G (CMD1G). Identifiers: Orphanet 154, MedGen C1858763, MONDO:0011400, OMIM 604145.
Myopathy, myofibrillar, 9, with early respiratory failure (MFM9). Also called: Hereditary myopathy with early respiratory failure; EDSTROM MYOPATHY; MYOPATHY, PROXIMAL, WITH EARLY RESPIRATORY MUSCLE INVOLVEMENT; Myopathy, distal, with early respiratory failure, autosomal dominant. Identifiers: Orphanet 178464, Orphanet 34521, MedGen C1863599, MONDO:0011362, OMIM 603689.
Hypertrophic cardiomyopathy 9. Also called: Familial hypertrophic cardiomyopathy 9. Identifiers: MedGen C1861065, MONDO:0013412, OMIM 613765.
Tibial muscular dystrophy (TMD). Also called: Udd Distal Myopathy – Tibial Muscular Dystrophy; Tibial muscular dystrophy, tardive; UDD MYOPATHY. Identifiers: Orphanet 609, MedGen C1838244, MONDO:0010870, OMIM 600334.
Early-onset myopathy with fatal cardiomyopathy (CMYO5). Also called: Salih Myopathy; CONGENITAL MYOPATHY 5 WITH CARDIOMYOPATHY. Identifiers: Orphanet 289377, MedGen C2673677, MONDO:0012714, OMIM 611705. Disease mechanism: loss of function.

Allele frequency attached by ClinVar (database versions not stated): gnomAD exomes below 0.00001 and 0.00001; gnomAD 0.00001; ExAC 0.00002; TOPMed 0.00002.
gnomAD v4.1: 3 of 1,611,478 alleles (0.00019%); highest among the groups gnomAD compares: African/African-American, 0.004%; no homozygotes.

Submissions (4):

Labcorp Genetics (formerly Invitae), Labcorp
Classification: Likely pathogenic for Dilated cardiomyopathy 1G; Autosomal recessive limb-girdle muscular dystrophy type 2J. Last evaluated: 2024-11-12. Review status: criteria provided, single submitter. Criteria: Invitae Variant Classification Sherloc (09022015). Collection method: clinical testing. Allele origin: germline.
Comment: This sequence change affects an acceptor splice site in intron 139 of the TTN gene. It is expected to disrupt RNA splicing and likely results in a truncated or disrupted TTN protein. This variant is present in population databases (rs756841034, gnomAD 0.01%). This variant has not been reported in the literature in individuals affected with TTN-related conditions. ClinVar contains an entry for this variant (Variation ID: 1440079). Algorithms developed to predict the effect of sequence changes on RNA splicing suggest that this variant may disrupt the consensus splice site. This variant is located in the I band of TTN (PMID: 25589632). Truncating variants in this region have been reported in individuals affected with autosomal recessive centronuclear myopathy (PMID: 23975875, internal data). Truncating variants in this region have also been identified in individuals affected with autosomal dominant dilated cardiomyopathy and/or cardio-related conditions (PMID: 27869827, 32964742, internal data). In summary, the currently available evidence indicates that the variant is pathogenic, but additional data are needed to prove that conclusively. Therefore, this variant has been classified as Likely Pathogenic.

GeneDx
Classification: Uncertain significance. Last evaluated: 2023-09-20. Review status: criteria provided, single submitter. Criteria: GeneDx Variant Classification Process June 2021. Collection method: clinical testing. Allele origin: germline. Affected: yes.
Comment: Not observed at significant frequency in large population cohorts (gnomAD); Canonical splice site variant in a gene or region of a gene for which loss of function is not a well-established mechanism of disease; Has not been previously published as pathogenic or benign to our knowledge

Fulgent Genetics
Classification: Uncertain significance for Tibial muscular dystrophy; Myopathy, myofibrillar, 9, with early respiratory failure; Dilated cardiomyopathy 1G; Autosomal recessive limb-girdle muscular dystrophy type 2J; Early-onset myopathy with fatal cardiomyopathy; Hypertrophic cardiomyopathy 9. Last evaluated: 2021-09-14. Review status: criteria provided, single submitter. Criteria: ACMG Guidelines, 2015. Collection method: clinical testing. Allele origin: unknown.

Revvity Omics, Revvity
Classification: Uncertain significance. Last evaluated: 2019-05-07. Review status: criteria provided, single submitter. Criteria: ACMG Guidelines, 2015. Collection method: clinical testing. Allele origin: germline.

Literature cited by the submitters: PubMed 25589632 (cited by Labcorp Genetics (formerly Invitae), Labcorp); PubMed 23975875 (cited by Labcorp Genetics (formerly Invitae), Labcorp); PubMed 27869827 (cited by Labcorp Genetics (formerly Invitae), Labcorp); PubMed 32964742 (cited by Labcorp Genetics (formerly Invitae), Labcorp).